The following is an entry in ClinVar:

ClinVar aggregate classification (germline): Uncertain significance (1 of 4 stars; one submission).

Conditions:
Hereditary cancer-predisposing syndrome. Also called: Neoplastic Syndromes, Hereditary; Tumor predisposition; Hereditary neoplastic syndrome; Hereditary Cancer Syndrome. Identifiers: Orphanet 140162, MedGen C0027672, MeSH D009386, MONDO:0015356.

Submission:

Ambry Genetics
Classification: Uncertain significance for Hereditary cancer-predisposing syndrome. Last evaluated: 2026-08-20. Review status: criteria provided, single submitter. Criteria: Ambry Variant Classification Scheme 2023. Collection method: clinical testing. Allele origin: germline.
Comment: The p.Y641H variant (also known as c.1921T>C), located in coding exon 15 of the SDHA gene, results from a T to C substitution at nucleotide position 1921. The tyrosine at codon 641 is replaced by histidine, an amino acid with similar properties. This amino acid position is conserved. In addition, this alteration is predicted to be deleterious by in silico analysis. Based on the available evidence, the clinical significance of this variant remains unclear.

NM_004168.4(SDHA):c.1921T>C (p.Tyr641His)

Gene: SDHA (succinate dehydrogenase complex flavoprotein subunit A; plus strand). Cytogenetic location: 5p15.33.
Variant type: single nucleotide variant.
Coding change: c.1921T>C on transcript NM_004168.4 (MANE Select); coding-DNA position 1921, T replaced by C.
Protein change: p.Tyr641His; replaces tyrosine 641 with histidine.
Molecular consequence: missense variant.
Genome position (GRCh38, 1-based): chr5:256,346, T>C. VCF-style: chr5-256346-T-C. GRCh37 (hg19) VCF-style: chr5-256461-T-C.
Other names: c.1777T>C, p.Tyr593His (NM_001294332.2); c.1678T>C, p.Tyr560His (NM_001330758.2); short protein forms Y560H, Y641H, Y593H.
Identifiers: ClinVar variation 5029179 (VCV005029179.1).
Genomic context (GRCh38, chr5:256,346, plus strand): 5'-TTTTTGTACATTTTTGTGCTTAACTTACCACTGACTCTTCTTTTCAAGGTCACTCTGGAA[T>C]ATAGACCCGTGATCGACAAAACTTTGAACGAGGCTGACTGTGCCACCGTCCCGCCAGCCA-3'
Protein context (NP_004159.2, residues 631-651): DVGTGKVTLE[Tyr641His]RPVIDKTLNE